The following is an entry in ClinVar:

ClinVar aggregate classification (germline): Pathogenic (1 of 4 stars; one submission).

Conditions:
Neuromuscular disease caused by qualitative or quantitative defects of dysferlin. Also called: Dysferlinopathy; Qualitative or quantitative defects of dysferlin. Identifiers: Orphanet 207073, MedGen C2931687, MONDO:0016145.

Submission:

Labcorp Genetics (formerly Invitae), Labcorp
Classification: Pathogenic for Neuromuscular disease caused by qualitative or quantitative defects of dysferlin. Last evaluated: 2025-08-20. Review status: criteria provided, single submitter. Criteria: Invitae Variant Classification Sherloc (09022015). Collection method: clinical testing. Allele origin: germline.
Comment: This sequence change affects a donor splice site in intron 3 of the DYSF gene. It is expected to disrupt RNA splicing. Variants that disrupt the donor or acceptor splice site typically lead to a loss of protein function (PMID: 16199547), and loss-of-function variants in DYSF are known to be pathogenic (PMID: 17698709, 20301480). This variant is not present in population databases (gnomAD no frequency). Disruption of this splice site has been observed in individual(s) with DYSF-related conditions (PMID: 19493611). In at least one individual the data is consistent with being in trans (on the opposite chromosome) from a pathogenic variant. It has also been observed to segregate with disease in related individuals. Algorithms developed to predict the effect of sequence changes on RNA splicing suggest that this variant may disrupt the consensus splice site. For these reasons, this variant has been classified as Pathogenic.

Literature cited by the submitters: PubMed 16199547; PubMed 17698709; PubMed 20301480; PubMed 19493611.

NM_001130987.2(DYSF):c.239+1G>C

Gene: DYSF (dysferlin; plus strand). Cytogenetic location: 2p13.2.
Variant type: single nucleotide variant.
Coding change: c.239+1G>C on transcript NM_001130987.2 (MANE Select); the canonical splice donor site of the intron after coding-DNA position 239, G replaced by C.
Molecular consequence: splice donor variant.
Genome position (GRCh38, 1-based): chr2:71,481,971, G>C. VCF-style: chr2-71481971-G-C. GRCh37 (hg19) VCF-style: chr2-71709101-G-C.
Other names: c.236+1G>C (NM_001130979.2, NM_001130981.2, NM_001130980.2 and 4 more transcripts); c.239+1G>C (NM_001130982.2, NM_001130985.2, NM_001130983.2 and 3 more transcripts).
Identifiers: ClinVar variation 4724445 (VCV004724445.1).